The following is an entry in ClinVar:

NM_000214.3(JAG1):c.2595dup (p.Met866fs)

Gene: JAG1 (jagged canonical Notch ligand 1; minus strand). Cytogenetic location: 20p12.2.
Variant type: Duplication.
Coding change: c.2595dup on transcript NM_000214.3 (MANE Select); coding-DNA position 2595, one base duplicated (C; older notation c.2595dupC).
Protein change: p.Met866fs; shifts the reading frame from methionine 866.
Molecular consequence: frameshift variant.
Genome position (GRCh38, 1-based): chr20:10,641,870, G duplicated on the plus strand (C on the coding strand, the reverse complement: JAG1 is on the minus strand); the first of 2 consecutive G bases (chr20:10,641,870-10,641,871); duplicating either gives the same sequence. VCF-style (leftmost placement, unchanged base first): chr20-10641869-T-TG. GRCh37 (hg19) VCF-style: chr20-10622517-T-TG.
Other names: c.2595dupC (NM_000214.2); short protein forms M866fs.
Identifiers: ClinVar variation 2714004 (VCV002714004.4), dbSNP rs2514509626, ClinGen allele CA2697547297.

ClinVar aggregate classification (germline): Pathogenic. Review status: criteria provided, single submitter (1 of 4 stars). 2 submissions from 2 submitters: Pathogenic (1). 1 of the submissions does not count toward it. Last evaluated 2024-01-29.

Conditions:
Alagille syndrome due to a JAG1 point mutation. Also called: Alagille Syndrome 1; JAG1-Related Alagille Syndrome; HEPATIC DUCTULAR HYPOPLASIA, SYNDROMATIC. Identifiers: Orphanet 261619, Orphanet 52, MedGen C1956125, MONDO:0016862, OMIM 118450.
JAG1-related disorder. Also called: JAG1-related condition; JAG1-related disorders.

Submissions (2):

Labcorp Genetics (formerly Invitae), Labcorp
Classification: Pathogenic for Alagille syndrome due to a JAG1 point mutation. Last evaluated: 2024-01-29. Review status: criteria provided, single submitter. Criteria: Invitae Variant Classification Sherloc (09022015). Collection method: clinical testing. Allele origin: germline.
Comment: This sequence change creates a premature translational stop signal (p.Met866Hisfs*13) in the JAG1 gene. It is expected to result in an absent or disrupted protein product. Loss-of-function variants in JAG1 are known to be pathogenic (PMID: 11180599). This variant is not present in population databases (gnomAD no frequency). This variant has not been reported in the literature in individuals affected with JAG1-related conditions. For these reasons, this variant has been classified as Pathogenic.

PreventionGenetics, part of Exact Sciences
Classification: Likely pathogenic for JAG1-related condition. Last evaluated: 2024-05-10. Review status: no assertion criteria provided. Collection method: clinical testing. Allele origin: germline. Not counted in ClinVar's aggregate classification.
Comment: The JAG1 c.2595dupC variant is predicted to result in a frameshift and premature protein termination (p.Met866Hisfs*13). To our knowledge, this variant has not been reported in the literature or in a large population database, indicating it is rare. Frameshift variants in JAG1 are expected to be pathogenic. This variant is interpreted as likely pathogenic.

Literature cited by the submitters: PubMed 11180599 (cited by Labcorp Genetics (formerly Invitae), Labcorp).